The following is an entry in ClinVar:

NM_133625.6(SYN2):c.578C>T (p.Ala193Val)

Gene: SYN2 (synapsin II; plus strand). Cytogenetic location: 3p25.2.
Variant type: single nucleotide variant.
Coding change: c.578C>T on transcript NM_133625.6 (MANE Select); coding-DNA position 578, C replaced by T.
Protein change: p.Ala193Val; replaces alanine 193 with valine.
Molecular consequence: missense variant.
Genome position (GRCh38, 1-based): chr3:12,145,729, C>T. VCF-style: chr3-12145729-C-T. GRCh37 (hg19) VCF-style: chr3-12187229-C-T.
Other names: c.578C>T, p.Ala193Val (NM_003178.6); short protein forms A193V.
Identifiers: ClinVar variation 3042477 (VCV003042477.2), dbSNP rs191537003, ClinGen allele CA2257352.

ClinVar aggregate classification (germline): Benign (0 of 4 stars; one submission).

Conditions:
SYN2-related disorder. Also called: SYN2-related condition.

Allele frequency attached by ClinVar (database versions not stated): gnomAD 0.00016; TOPMed 0.00018; ExAC 0.00028; 1000 Genomes Project 30x 0.00047; 1000 Genomes Project 0.00060.
gnomAD v4.1: 168 of 1,613,960 alleles (0.01%); highest among the groups gnomAD compares: East Asian, 0.26%; no homozygotes.

Submission:

PreventionGenetics, part of Exact Sciences
Classification: Benign for SYN2-related condition. Last evaluated: 2019-06-24. Review status: no assertion criteria provided. Collection method: clinical testing. Allele origin: germline.
Comment: This variant is classified as benign based on ACMG/AMP sequence variant interpretation guidelines (Richards et al. 2015 PMID: 25741868, with internal and published modifications).